The following is an entry in ClinVar:

ClinVar aggregate classification (germline): Uncertain significance (1 of 4 stars; one submission).

Conditions:
Glycogen storage disease XV (GSD15). Also called: GLYCOGENIN DEFICIENCY; GSD XV. Identifiers: Orphanet 263297, MedGen C3150754, MONDO:0013291, OMIM 613507.
Polyglucosan body myopathy type 2. Identifiers: Orphanet 456369, MedGen C4015452, MONDO:0014526, OMIM 616199.

gnomAD v4.1: 1 of 1,613,238 alleles (0.000062%); highest among the groups gnomAD compares: Non-Finnish European, 0.000085%; no homozygotes.

Submission:

Labcorp Genetics (formerly Invitae), Labcorp
Classification: Uncertain significance for Polyglucosan body myopathy type 2; Glycogen storage disease XV. Last evaluated: 2021-06-10. Review status: criteria provided, single submitter. Criteria: Invitae Variant Classification Sherloc (09022015). Collection method: clinical testing. Allele origin: germline.
Comment: In summary, the available evidence is currently insufficient to determine the role of this variant in disease. Therefore, it has been classified as a Variant of Uncertain Significance. Algorithms developed to predict the effect of sequence changes on RNA splicing suggest that this variant may create or strengthen a splice site, but this prediction has not been confirmed by published transcriptional studies. Algorithms developed to predict the effect of missense changes on protein structure and function are either unavailable or do not agree on the potential impact of this missense change (SIFT: "Deleterious"; PolyPhen-2: "Probably Damaging"; Align-GVGD: "Class C0"). This variant has not been reported in the literature in individuals with GYG1-related conditions. This variant is not present in population databases (ExAC no frequency). This sequence change replaces leucine with valine at codon 9 of the GYG1 protein (p.Leu9Val). The leucine residue is highly conserved and there is a small physicochemical difference between leucine and valine.

NM_004130.4(GYG1):c.25C>G (p.Leu9Val)

Gene: GYG1 (glycogenin 1; plus strand). Cytogenetic location: 3q24.
Variant type: single nucleotide variant.
Coding change: c.25C>G on transcript NM_004130.4 (MANE Select); coding-DNA position 25, C replaced by G.
Protein change: p.Leu9Val; replaces leucine 9 with valine.
Molecular consequence: missense variant.
Genome position (GRCh38, 1-based): chr3:148,994,159, C>G. VCF-style: chr3-148994159-C-G. GRCh37 (hg19) VCF-style: chr3-148711946-C-G.
Other names: c.25C>G, p.Leu9Val (NM_001184720.2, NM_001184721.2); short protein forms L9V.
Identifiers: ClinVar variation 1487482 (VCV001487482.6), dbSNP rs111907916, ClinGen allele CA85546037.